The following is an entry in ClinVar:

ClinVar aggregate classification (germline): Uncertain significance (1 of 4 stars; one submission).

Conditions:
Inborn genetic diseases. Identifiers: MedGen C0950123, MeSH D030342.

gnomAD v4.1: 1 of 1,613,980 alleles (0.000062%); highest among the groups gnomAD compares: Non-Finnish European, 0.000085%; no homozygotes.

Submission:

Ambry Genetics
Classification: Uncertain significance for Inborn genetic diseases. Last evaluated: 2025-08-08. Review status: criteria provided, single submitter. Criteria: Ambry Variant Classification Scheme 2023. Collection method: clinical testing. Allele origin: germline.
Comment: The p.D682E variant (also known as c.2046C>G), located in coding exon 1 of the SAMD9 gene, results from a C to G substitution at nucleotide position 2046. The aspartic acid at codon 682 is replaced by glutamic acid, an amino acid with highly similar properties. This amino acid position is conserved. In addition, this alteration is predicted to be tolerated by in silico analysis. Based on the available evidence, the clinical significance of this variant remains unclear.

NM_017654.4(SAMD9):c.2046C>G (p.Asp682Glu)

Gene: SAMD9 (sterile alpha motif domain containing 9; minus strand). Cytogenetic location: 7q21.2.
Variant type: single nucleotide variant.
Coding change: c.2046C>G on transcript NM_017654.4 (MANE Select); coding-DNA position 2046, C replaced by G.
Protein change: p.Asp682Glu; replaces aspartic acid 682 with glutamic acid.
Molecular consequence: missense variant.
Genome position (GRCh38, 1-based): chr7:93,104,052, G>C on the plus strand (C>G on the coding strand, the complement: SAMD9 is on the minus strand). VCF-style: chr7-93104052-G-C. GRCh37 (hg19) VCF-style: chr7-92733365-G-C.
Other names: c.2046C>G, p.Asp682Glu (NM_001193307.2); short protein forms D682E.
Identifiers: ClinVar variation 4159133 (VCV004159133.1).